The following is an entry in ClinVar:

ClinVar aggregate classification (germline): Uncertain significance. Review status: criteria provided, multiple submitters, no conflicts (2 of 4 stars). 2 submissions from 2 submitters: Uncertain significance (2). Last evaluated 2026-03-19.

Conditions:
Inborn genetic diseases. Identifiers: MedGen C0950123, MeSH D030342.

Submissions (2):

Ambry Genetics
Classification: Uncertain significance for Inborn genetic diseases. Last evaluated: 2026-03-19. Review status: criteria provided, single submitter. Criteria: Ambry Variant Classification Scheme 2023. Collection method: clinical testing. Allele origin: germline.

Labcorp Genetics (formerly Invitae), Labcorp
Classification: Uncertain significance. Last evaluated: 2024-12-26. Review status: criteria provided, single submitter. Criteria: Invitae Variant Classification Sherloc (09022015). Collection method: clinical testing. Allele origin: germline.
Comment: This sequence change replaces isoleucine, which is neutral and non-polar, with phenylalanine, which is neutral and non-polar, at codon 52 of the DSG1 protein (p.Ile52Phe). This variant is not present in population databases (gnomAD no frequency). This variant has not been reported in the literature in individuals affected with DSG1-related conditions. ClinVar contains an entry for this variant (Variation ID: 1412676). Invitae Evidence Modeling of protein sequence and biophysical properties (such as structural, functional, and spatial information, amino acid conservation, physicochemical variation, residue mobility, and thermodynamic stability) indicates that this missense variant is not expected to disrupt DSG1 protein function with a negative predictive value of 80%. In summary, the available evidence is currently insufficient to determine the role of this variant in disease. Therefore, it has been classified as a Variant of Uncertain Significance.

NM_001942.4(DSG1):c.154A>T (p.Ile52Phe)

Gene: DSG1 (desmoglein 1; plus strand). Cytogenetic location: 18q12.1.
Variant type: single nucleotide variant.
Coding change: c.154A>T on transcript NM_001942.4 (MANE Select); coding-DNA position 154, A replaced by T.
Protein change: p.Ile52Phe; replaces isoleucine 52 with phenylalanine.
Molecular consequence: missense variant.
Genome position (GRCh38, 1-based): chr18:31,326,943, A>T. VCF-style: chr18-31326943-A-T. GRCh37 (hg19) VCF-style: chr18-28906906-A-T.
Other names: c.154A>T (NM_001942.2); short protein forms I52F.
Identifiers: ClinVar variation 1412676 (VCV001412676.7), dbSNP rs2144087836, ClinGen allele CA402127857.